The following is an entry in ClinVar:

NM_015490.4(SEC31B):c.271G>A (p.Gly91Ser)

Gene: SEC31B (SEC31 homolog B, COPII component; minus strand). Cytogenetic location: 10q24.31.
Variant type: single nucleotide variant.
Coding change: c.271G>A on transcript NM_015490.4 (MANE Select); coding-DNA position 271, G replaced by A.
Protein change: p.Gly91Ser; replaces glycine 91 with serine.
Molecular consequence: missense variant.
Genome position (GRCh38, 1-based): chr10:100,509,444, C>T on the plus strand (G>A on the coding strand, the complement: SEC31B is on the minus strand). VCF-style: chr10-100509444-C-T. GRCh37 (hg19) VCF-style: chr10-102269201-C-T.
Other names: short protein forms G91S.
Identifiers: ClinVar variation 3770616 (VCV003770616.13).
Genomic context (GRCh38, chr10:100,509,444, plus strand): 5'-CCTTCCCCGAAGACAGGATGTGGGTCACATTGTATAGAATAAGCATGCCATTGTCCCCGC[C>T]GCCAACAATAACCCCGGAGCTTTCCAGAAGCCCACTGCCAAAGCTCCCCCAGACCAGCTT-3'
Protein context (NP_056305.1, residues 81-101): LLESSGVIVG[Gly91Ser]GDNGMLILYN

ClinVar aggregate classification (germline): Likely benign (1 of 4 stars; one submission).

gnomAD v4.1: 5,303 of 1,614,096 alleles (0.33%); highest among the groups gnomAD compares: Non-Finnish European, 0.34%; 20 homozygotes.

Submission:

CeGaT Center for Human Genetics Tuebingen
Classification: Likely benign. Last evaluated: 2025-02-01. Review status: criteria provided, single submitter. Criteria: CeGaT Center For Human Genetics Tuebingen Variant Classification Criteria Version 2. Collection method: clinical testing. Allele origin: germline. Affected: yes. Observed: 1 variant allele.
Comment: SEC31B: BP4, BS2